The following is an entry in ClinVar:

ClinVar aggregate classification (germline): Uncertain significance (1 of 4 stars; one submission).

Submission:

Labcorp Genetics (formerly Invitae), Labcorp
Classification: Uncertain significance. Last evaluated: 2024-04-03. Review status: criteria provided, single submitter. Criteria: Invitae Variant Classification Sherloc (09022015). Collection method: clinical testing. Allele origin: germline.
Comment: This sequence change replaces proline, which is neutral and non-polar, with leucine, which is neutral and non-polar, at codon 407 of the NAA35 protein (p.Pro407Leu). This variant is not present in population databases (gnomAD no frequency). This variant has not been reported in the literature in individuals affected with NAA35-related conditions. An algorithm developed to predict the effect of missense changes on protein structure and function (PolyPhen-2) suggests that this variant is likely to be tolerated. In summary, the available evidence is currently insufficient to determine the role of this variant in disease. Therefore, it has been classified as a Variant of Uncertain Significance.

NM_024635.4(NAA35):c.1220C>T (p.Pro407Leu)

Gene: NAA35 (N-alpha-acetyltransferase 35, NatC auxiliary subunit; plus strand). Cytogenetic location: 9q21.33.
Variant type: single nucleotide variant.
Coding change: c.1220C>T on transcript NM_024635.4 (MANE Select); coding-DNA position 1220, C replaced by T.
Protein change: p.Pro407Leu; replaces proline 407 with leucine.
Molecular consequence: missense variant.
Genome position (GRCh38, 1-based): chr9:86,007,461, C>T. VCF-style: chr9-86007461-C-T. GRCh37 (hg19) VCF-style: chr9-88622376-C-T.
Other names: c.1220C>T, p.Pro407Leu (NM_001321881.2, NM_001321882.2); short protein forms P407L.
Identifiers: ClinVar variation 3648483 (VCV003648483.2).